The following is an entry in ClinVar:

NM_002635.4(SLC25A3):c.*5A>G

Gene: SLC25A3 (solute carrier family 25 member 3; plus strand). Cytogenetic location: 12q23.1.
Variant type: single nucleotide variant.
Coding change: c.*5A>G on transcript NM_002635.4 (MANE Select); 5 bases downstream of the stop codon, A replaced by G.
Molecular consequence: 3 prime UTR variant.
Genome position (GRCh38, 1-based): chr12:98,601,533, A>G. VCF-style: chr12-98601533-A-G. GRCh37 (hg19) VCF-style: chr12-98995311-A-G.
Other names: c.*5A>G (NM_005888.4, NM_213611.3).
Identifiers: ClinVar variation 4990808 (VCV004990808.1).

ClinVar aggregate classification (germline): Likely benign (1 of 4 stars; one submission).

Conditions:
SLC25A3-related disorder. Also called: SLC25A3-related condition.

Submission:

PreventionGenetics, part of Exact Sciences
Classification: Likely benign for SLC25A3-related condition. Last evaluated: 2025-04-22. Review status: criteria provided, single submitter. Criteria: ACMG Guidelines, 2015. Collection method: clinical testing. Allele origin: germline.
Comment: This variant is classified as likely benign based on ACMG/AMP sequence variant interpretation guidelines (Richards et al. 2015 PMID: 25741868, with internal and published modifications).